The following is an entry in ClinVar:

NM_000836.4(GRIN2D):c.3649G>A (p.Gly1217Arg)

Gene: GRIN2D (glutamate ionotropic receptor NMDA type subunit 2D; plus strand). Cytogenetic location: 19q13.33.
Variant type: single nucleotide variant.
Coding change: c.3649G>A on transcript NM_000836.4 (MANE Select); coding-DNA position 3649, G replaced by A.
Protein change: p.Gly1217Arg; replaces glycine 1217 with arginine.
Molecular consequence: missense variant.
Genome position (GRCh38, 1-based): chr19:48,443,575, G>A. VCF-style: chr19-48443575-G-A. GRCh37 (hg19) VCF-style: chr19-48946832-G-A.
Other names: short protein forms G1217R.
Identifiers: ClinVar variation 1913411 (VCV001913411.5), dbSNP rs2513693746, ClinGen allele CA406677343.

ClinVar aggregate classification (germline): Uncertain significance (1 of 4 stars; one submission).

gnomAD v4.1: 3 of 1,219,354 alleles (0.00025%); highest among the groups gnomAD compares: Admixed American, 0.0045%; no homozygotes.

Submission:

Labcorp Genetics (formerly Invitae), Labcorp
Classification: Uncertain significance. Last evaluated: 2022-11-08. Review status: criteria provided, single submitter. Criteria: Invitae Variant Classification Sherloc (09022015). Collection method: clinical testing. Allele origin: germline.
Comment: This sequence change replaces glycine, which is neutral and non-polar, with arginine, which is basic and polar, at codon 1217 of the GRIN2D protein (p.Gly1217Arg). The frequency data for this variant in the population databases is considered unreliable, as metrics indicate insufficient coverage at this position in the gnomAD database. This variant has not been reported in the literature in individuals affected with GRIN2D-related conditions. Advanced modeling of protein sequence and biophysical properties (such as structural, functional, and spatial information, amino acid conservation, physicochemical variation, residue mobility, and thermodynamic stability) performed at Invitae indicates that this missense variant is not expected to disrupt GRIN2D protein function. In summary, the available evidence is currently insufficient to determine the role of this variant in disease. Therefore, it has been classified as a Variant of Uncertain Significance.